The following is an entry in ClinVar:

ClinVar aggregate classification (germline): Conflicting classifications of pathogenicity. Review status: criteria provided, conflicting classifications (1 of 4 stars). 2 submissions from 2 submitters: Uncertain significance (1); Likely benign (1). Last evaluated 2025-10-06.

Conditions:
Myasthenic syndrome, congenital, 25, presynaptic. Also called: Myasthenic syndrome, congenital, 25. Identifiers: MedGen C5193027, MONDO:0032675, OMIM 618323.
Spastic paraplegia. Identifiers: MedGen C0037772, HP:0001258.

Allele frequency attached by ClinVar (database versions not stated): gnomAD 0.00002; TOPMed 0.00002; gnomAD exomes 0.00004.
gnomAD v4.1: 64 of 1,612,392 alleles (0.004%); highest among the groups gnomAD compares: Admixed American, 0.0084%; no homozygotes.

Submissions (2):

Labcorp Genetics (formerly Invitae), Labcorp
Classification: Likely benign for Spastic paraplegia. Last evaluated: 2025-10-06. Review status: criteria provided, single submitter. Criteria: Invitae Variant Classification Sherloc (09022015). Collection method: clinical testing. Allele origin: germline.

Victorian Clinical Genetics Services, Murdoch Childrens Research Institute
Classification: Uncertain significance for Myasthenic syndrome, congenital, 25, presynaptic. Last evaluated: 2022-09-02. Review status: criteria provided, single submitter. Criteria: ACMG Guidelines, 2015. Collection method: clinical testing. Allele origin: germline. Inheritance: Autosomal recessive inheritance. Affected: yes.
Comment: Based on the classification scheme VCGS_Germline_v1.3.4, this variant is classified as VUS-3C. Following criteria are met: 0102 - Loss of function is a known mechanism of disease in this gene and is associated with myasthenic syndrome, congenital (MIM# 618323). (I) 0106 - This gene is associated with autosomal recessive disease. It’s association with autosomal dominant spastic ataxia 1 (MIM#108600) is currently tenuous (PanelApp Australia). (I) 0212 - Non-canonical splice site variant without proven consequence on splicing (no functional evidence available). (SP) 0304 - Variant is present in gnomAD <0.01 for a recessive condition (v2: 7 heterozygotes, 0 homozygotes). (SP) 0506 - Abnormal splicing is not predicted however, nucleotide is moderately conserved. (I) 0705 - No comparable splice site variants have previous evidence for pathogenicity. (I) 0806 - This variant has moderate previous evidence of being benign in unrelated individuals. It has been described as likely benign by a diagnostic laboratory in ClinVar. (SB) 0905 - No published segregation evidence has been identified for this variant. (I) 1007 - No published functional evidence has been identified for this variant. (I) 1208 - Inheritance information for this variant is not currently available in this individual. (I) Legend: (SP) - Supporting pathogenic, (I) - Information, (SB) - Supporting benign

NM_014231.5(VAMP1):c.3-6C>T

Genes: TAPBPL (TAP binding protein like; plus strand), VAMP1 (vesicle associated membrane protein 1; minus strand). Cytogenetic location: 12p13.31.
Variant type: single nucleotide variant.
Coding change: c.3-6C>T on transcript NM_014231.5 (MANE Select); 6 bases into the intron before coding-DNA position 3, C replaced by T.
Molecular consequence: intron variant.
Genome position (GRCh38, 1-based): chr12:6,466,357, G>A on the plus strand (C>T on the coding strand, the complement: VAMP1 is on the minus strand). VCF-style: chr12-6466357-G-A. GRCh37 (hg19) VCF-style: chr12-6575523-G-A.
Other names: c.3-6C>T (NM_016830.4, NM_001297438.2, NM_199245.3).
Identifiers: ClinVar variation 698325 (VCV000698325.11), dbSNP rs749846681, ClinGen allele CA6407731.